The following is an entry in ClinVar:

ClinVar aggregate classification (germline): Uncertain significance. Review status: criteria provided, single submitter (1 of 4 stars). 2 submissions from 2 submitters: Uncertain significance (1). 1 of the submissions does not count toward it. Last evaluated 2022-07-26.

Conditions:
Zellweger spectrum disorders (ZS). Also called: Zellweger Spectrum Disorder (ZSD); Zellweger syndrome; Zellweger Spectrum Disorder; Zellweger Spectrum. Identifiers: Orphanet 912, MedGen C0043459, MONDO:0019609.
Peroxisome biogenesis disorder, complementation group 7 (CG7). Also called: Peroxisome biogenesis disorder, complementation group B. Identifiers: MedGen C1864399.

Allele frequency attached by ClinVar (database versions not stated): gnomAD 0.00001; gnomAD exomes 0.00002; ExAC 0.00004.

Submissions (2):

Labcorp Genetics (formerly Invitae), Labcorp
Classification: Uncertain significance for Peroxisome biogenesis disorder, complementation group 7. Last evaluated: 2022-07-26. Review status: criteria provided, single submitter. Criteria: Invitae Variant Classification Sherloc (09022015). Collection method: clinical testing. Allele origin: germline.
Comment: This sequence change replaces arginine, which is basic and polar, with tryptophan, which is neutral and slightly polar, at codon 331 of the PEX10 protein (p.Arg331Trp). The frequency data for this variant in the population databases is considered unreliable, as metrics indicate poor data quality at this position in the gnomAD database. This variant has not been reported in the literature in individuals affected with PEX10-related conditions. ClinVar contains an entry for this variant (Variation ID: 964391). Algorithms developed to predict the effect of missense changes on protein structure and function (SIFT, PolyPhen-2, Align-GVGD) all suggest that this variant is likely to be disruptive. In summary, the available evidence is currently insufficient to determine the role of this variant in disease. Therefore, it has been classified as a Variant of Uncertain Significance.

Natera, Inc.
Classification: Uncertain significance for Zellweger syndrome. Last evaluated: 2021-06-30. Review status: no assertion criteria provided. Collection method: clinical testing. Allele origin: germline. Not counted in ClinVar's aggregate classification.

NM_002617.4(PEX10):c.931C>T (p.Arg311Trp)

Gene: PEX10 (peroxisomal biogenesis factor 10; minus strand). Cytogenetic location: 1p36.32.
Variant type: single nucleotide variant.
Coding change: c.931C>T on transcript NM_002617.4 (MANE Select); coding-DNA position 931, C replaced by T.
Protein change: p.Arg311Trp; replaces arginine 311 with tryptophan.
Molecular consequence: missense variant. On other transcripts: non-coding transcript variant (1).
Genome position (GRCh38, 1-based): chr1:2,405,816, G>A on the plus strand (C>T on the coding strand, the complement: PEX10 is on the minus strand). VCF-style: chr1-2405816-G-A. GRCh37 (hg19) VCF-style: chr1-2337255-G-A.
Other names: c.988C>T, p.Arg330Trp (NM_001374425.1); c.556C>T, p.Arg186Trp (NM_001374426.1); c.499C>T, p.Arg167Trp (NM_001374427.1); c.991C>T, p.Arg331Trp (NM_153818.2); short protein forms R311W, R167W, R330W, R186W, R331W.
Identifiers: ClinVar variation 964391 (VCV000964391.5), dbSNP rs765965290, ClinGen allele CA537951.